The following is an entry in ClinVar:

NM_001267550.2(TTN):c.106710T>G (p.Val35570=)

Genes: TTN (titin; minus strand), TTN-AS1 (TTN antisense RNA 1; plus strand). Cytogenetic location: 2q31.2.
Variant type: single nucleotide variant.
Coding change: c.106710T>G on transcript NM_001267550.2 (MANE Select); coding-DNA position 106710, T replaced by G.
Protein change: p.Val35570=; no amino-acid change (valine 35570 retained).
Molecular consequence: synonymous variant.
Genome position (GRCh38, 1-based): chr2:178,529,041, A>C on the plus strand (T>G on the coding strand, the complement: TTN is on the minus strand). VCF-style: chr2-178529041-A-C. GRCh37 (hg19) VCF-style: chr2-179393768-A-C.
Other names: c.101787T>G, p.Val33929= (NM_001256850.1); c.79515T>G, p.Val26505= (NM_003319.4); c.99006T>G, p.Val33002= (NM_133378.4); c.79890T>G, p.Val26630= (NM_133432.3); c.80091T>G, p.Val26697= (NM_133437.4).
Identifiers: ClinVar variation 4873119 (VCV004873119.2).

ClinVar aggregate classification (germline): Likely benign (1 of 4 stars; one submission).

gnomAD v4.1: 1 of 1,613,828 alleles (0.000062%); highest among the groups gnomAD compares: Non-Finnish European, 0.000085%; no homozygotes.

Submission:

CeGaT Center for Human Genetics Tuebingen
Classification: Likely benign. Last evaluated: 2026-07-01. Review status: criteria provided, single submitter. Criteria: CeGaT Center For Human Genetics Tuebingen Variant Classification Criteria Version 2. Collection method: clinical testing. Allele origin: germline. Affected: yes. Observed: 1 variant allele.
Comment: TTN: BP4, BP7